The following is an entry in ClinVar:

NM_007294.4(BRCA1):c.1862A>G (p.His621Arg)

Gene: BRCA1 (BRCA1 DNA repair associated; minus strand). Cytogenetic location: 17q21.31.
Variant type: single nucleotide variant.
Coding change: c.1862A>G on transcript NM_007294.4 (MANE Select); coding-DNA position 1862, A replaced by G.
Protein change: p.His621Arg; replaces histidine 621 with arginine.
Molecular consequence: missense variant. On other transcripts: intron variant (137).
Genome position (GRCh38, 1-based): chr17:43,093,669, T>C on the plus strand (A>G on the coding strand, the complement: BRCA1 is on the minus strand). VCF-style: chr17-43093669-T-C. GRCh37 (hg19) VCF-style: chr17-41245686-T-C.
Other names: c.1649A>G, p.His550Arg (NM_001407571.1, NM_001407853.1, NM_001407894.1 and 9 more transcripts); c.1862A>G, p.His621Arg (NM_001407581.1, NM_001407582.1, NM_001407583.1 and 30 more transcripts); c.1859A>G, p.His620Arg (NM_001407587.1, NM_001407590.1, NM_001407591.1 and 22 more transcripts); c.1853A>G, p.His618Arg (NM_001407646.1, NM_001407647.1); c.1739A>G, p.His580Arg (NM_001407648.1, NM_001407664.1, NM_001407665.1 and 19 more transcripts); c.1736A>G, p.His579Arg (NM_001407649.1, NM_001407670.1, NM_001407671.1 and 11 more transcripts); c.1784A>G, p.His595Arg (NM_001407653.1, NM_001407654.1, NM_001407655.1 and 4 more transcripts); c.1781A>G, p.His594Arg (NM_001407659.1, NM_001407660.1, NM_001407661.1 and 1 more transcripts); and 40 more; short protein forms H621R, H574R, H550R, H553R, H595R, H325R, H453R, H494R.
Identifiers: ClinVar variation 950868 (VCV000950868.13), dbSNP rs2053871006, ClinGen allele CA10598294.
Genomic context (GRCh38, chr17:43,093,669, plus strand): 5'-ATTTGCAATTCAGTACAATTAGGTGGGCTTAGATTTCTACTGACTACTAGTTCAAGCGCA[T>C]GAATATGCCTGGTAGAAGACTTCCTCCTCAGCCTATTCTTTTTAGGTGCTTTTGAATTGT-3'
Protein context (NP_009225.1, residues 611-631): LRRKSSTRHI[His621Arg]ALELVVSRNL

ClinVar aggregate classification (germline): Conflicting classifications of pathogenicity. Review status: criteria provided, conflicting classifications (1 of 4 stars). 2 submissions from 2 submitters: Uncertain significance (1); Likely benign (1). Last evaluated 2025-02-03.

Conditions:
Hereditary breast ovarian cancer syndrome. Also called: Hereditary breast and ovarian cancer; Hereditary breast and/or ovarian cancer syndrome; Hereditary breast and ovarian cancer syndrome; Hereditary breast and ovarian cancer syndrome (HBOC); BRCA1- and BRCA2-Associated Hereditary Breast and Ovarian Cancer; Breast and ovarian cancer. Identifiers: Orphanet 145, MedGen C0677776, MeSH D061325, MONDO:0003582. Disease mechanism: loss of function.
Hereditary cancer-predisposing syndrome. Also called: Tumor predisposition; Hereditary neoplastic syndrome; Neoplastic Syndromes, Hereditary; Hereditary Cancer Syndrome. Identifiers: Orphanet 140162, MedGen C0027672, MeSH D009386, MONDO:0015356.

Submissions (2):

Labcorp Genetics (formerly Invitae), Labcorp
Classification: Uncertain significance for Hereditary breast ovarian cancer syndrome. Last evaluated: 2025-02-03. Review status: criteria provided, single submitter. Criteria: Invitae Variant Classification Sherloc (09022015). Collection method: clinical testing. Allele origin: germline.
Comment: This sequence change replaces histidine, which is basic and polar, with arginine, which is basic and polar, at codon 621 of the BRCA1 protein (p.His621Arg). This variant is not present in population databases (gnomAD no frequency). This variant has not been reported in the literature in individuals affected with BRCA1-related conditions. ClinVar contains an entry for this variant (Variation ID: 950868). Invitae Evidence Modeling of protein sequence and biophysical properties (such as structural, functional, and spatial information, amino acid conservation, physicochemical variation, residue mobility, and thermodynamic stability) indicates that this missense variant is not expected to disrupt BRCA1 protein function with a negative predictive value of 80%. In summary, the available evidence is currently insufficient to determine the role of this variant in disease. Therefore, it has been classified as a Variant of Uncertain Significance.

University of Washington Department of Laboratory Medicine, University of Washington
Classification: Likely benign for Hereditary cancer-predisposing syndrome. Last evaluated: 2023-03-23. Review status: criteria provided, single submitter. Criteria: Dines et al. (Genet Med. 2020). Collection method: curation. Allele origin: germline.
Comment: Missense variant in a coldspot region where missense variants are very unlikely to be pathogenic (PMID:31911673).

BRCA1 coldspot (exon 11 using historical exon numbering). Reclassification based on statistical prior probability